The following is an entry in ClinVar:

ClinVar aggregate classification (germline): Uncertain significance. Review status: criteria provided, multiple submitters, no conflicts (2 of 4 stars). 2 submissions from 2 submitters: Uncertain significance (2). Last evaluated 2023-11-18.

Conditions:
Hereditary cancer-predisposing syndrome. Also called: Tumor predisposition; Hereditary neoplastic syndrome; Neoplastic Syndromes, Hereditary; Hereditary Cancer Syndrome. Identifiers: Orphanet 140162, MedGen C0027672, MeSH D009386, MONDO:0015356.
BAP1-related tumor predisposition syndrome (TPDS1). Also called: Tumor susceptibility linked to germline BAP1 mutations; BAP1 tumor predisposition syndrome; COMMON Syndrome; TUMOR PREDISPOSITION SYNDROME 1. Identifiers: Orphanet 289539, MedGen C3280492, MONDO:0013692, OMIM 614327.

Submissions (2):

Labcorp Genetics (formerly Invitae), Labcorp
Classification: Uncertain significance for BAP1-related tumor predisposition syndrome. Last evaluated: 2023-11-18. Review status: criteria provided, single submitter. Criteria: Invitae Variant Classification Sherloc (09022015). Collection method: clinical testing. Allele origin: germline.
Comment: This sequence change replaces asparagine, which is neutral and polar, with serine, which is neutral and polar, at codon 413 of the BAP1 protein (p.Asn413Ser). This variant is not present in population databases (gnomAD no frequency). This variant has not been reported in the literature in individuals affected with BAP1-related conditions. ClinVar contains an entry for this variant (Variation ID: 818674). Advanced modeling of protein sequence and biophysical properties (such as structural, functional, and spatial information, amino acid conservation, physicochemical variation, residue mobility, and thermodynamic stability) performed at Invitae indicates that this missense variant is not expected to disrupt BAP1 protein function with a negative predictive value of 80%. In summary, the available evidence is currently insufficient to determine the role of this variant in disease. Therefore, it has been classified as a Variant of Uncertain Significance.

Ambry Genetics
Classification: Uncertain significance for Hereditary cancer-predisposing syndrome. Last evaluated: 2023-07-27. Review status: criteria provided, single submitter. Criteria: Ambry Variant Classification Scheme 2023. Collection method: clinical testing. Allele origin: germline.
Comment: The p.N413S variant (also known as c.1238A>G), located in coding exon 12 of the BAP1 gene, results from an A to G substitution at nucleotide position 1238. The asparagine at codon 413 is replaced by serine, an amino acid with highly similar properties. This amino acid position is not well conserved in available vertebrate species. In addition, this alteration is predicted to be tolerated by in silico analysis. Since supporting evidence is limited at this time, the clinical significance of this alteration remains unclear.

NM_004656.4(BAP1):c.1238A>G (p.Asn413Ser)

Gene: BAP1 (BRCA1 associated deubiquitinase 1; minus strand). Cytogenetic location: 3p21.1.
Variant type: single nucleotide variant.
Coding change: c.1238A>G on transcript NM_004656.4 (MANE Select); coding-DNA position 1238, A replaced by G.
Protein change: p.Asn413Ser; replaces asparagine 413 with serine.
Molecular consequence: missense variant.
Genome position (GRCh38, 1-based): chr3:52,404,465, T>C on the plus strand (A>G on the coding strand, the complement: BAP1 is on the minus strand). VCF-style: chr3-52404465-T-C. GRCh37 (hg19) VCF-style: chr3-52438481-T-C.
Other names: short protein forms N413S.
Identifiers: ClinVar variation 818674 (VCV000818674.12), dbSNP rs1231899667, ClinGen allele CA353102768.